The following is an entry in ClinVar:

NM_001673.5(ASNS):c.1220G>A (p.Arg407Gln)

Genes: ASNS (asparagine synthetase (glutamine-hydrolyzing); minus strand), CZ1P-ASNS (CZ1P-ASNS readthrough; minus strand). Cytogenetic location: 7q21.3.
Variant type: single nucleotide variant.
Coding change: c.1220G>A on transcript NM_001673.5 (MANE Select); coding-DNA position 1220, G replaced by A.
Protein change: p.Arg407Gln; replaces arginine 407 with glutamine.
Molecular consequence: missense variant. On other transcripts: non-coding transcript variant (1).
Genome position (GRCh38, 1-based): chr7:97,854,598, C>T on the plus strand (G>A on the coding strand, the complement: ASNS is on the minus strand). VCF-style: chr7-97854598-C-T. GRCh37 (hg19) VCF-style: chr7-97483910-C-T.
Other names: c.1157G>A, p.Arg386Gln (NM_001178075.2); c.971G>A, p.Arg324Gln (NM_001178076.2, NM_001178077.1); c.1220G>A, p.Arg407Gln (NM_001352496.2, NM_133436.3, NM_183356.4); short protein forms R324Q, R386Q, R407Q.
Identifiers: ClinVar variation 1711980 (VCV001711980.2), dbSNP rs748291290, ClinGen allele CA4354562.
Genomic context (GRCh38, chr7:97,854,598, plus strand): 5'-GTTTTTTTGTTTTTGTTTTACAATAGCCTCTAAAAATATTACCCATGGGCAGCAGTAGTT[C>T]GATCTGCGCGGAGAACATCAAACAAATAGAGTTCCCTCAGAAGCCTCTCACTCTCCTCCT-3'
Protein context (NP_001664.3, residues 397-417): LYLFDVLRAD[Arg407Gln]TTAAHGLELR

ClinVar aggregate classification (germline): Uncertain significance (1 of 4 stars; one submission).

gnomAD v4.1: 1 of 1,613,758 alleles (0.000062%); highest among the groups gnomAD compares: East Asian, 0.0022%; no homozygotes.

Submission:

GeneDx
Classification: Uncertain significance. Last evaluated: 2022-04-21. Review status: criteria provided, single submitter. Criteria: GeneDx Variant Classification Process June 2021. Collection method: clinical testing. Allele origin: germline. Affected: yes.
Comment: Not observed at significant frequency in large population cohorts (gnomAD); In silico analysis supports that this missense variant has a deleterious effect on protein structure/function; Has not been previously published as pathogenic or benign to our knowledge